The following is an entry in ClinVar:

NM_198334.3(GANAB):c.880G>A (p.Ala294Thr)

Gene: GANAB (glucosidase II alpha subunit; minus strand). Cytogenetic location: 11q12.3.
Variant type: single nucleotide variant.
Coding change: c.880G>A on transcript NM_198334.3 (MANE Select); coding-DNA position 880, G replaced by A.
Protein change: p.Ala294Thr; replaces alanine 294 with threonine.
Molecular consequence: missense variant.
Genome position (GRCh38, 1-based): chr11:62,632,681, C>T on the plus strand (G>A on the coding strand, the complement: GANAB is on the minus strand). VCF-style: chr11-62632681-C-T. GRCh37 (hg19) VCF-style: chr11-62400153-C-T.
Other names: c.946G>A, p.Ala316Thr (NM_198335.4); c.589G>A, p.Ala197Thr (NM_001329223.2, NM_001278194.2, NM_001329222.2); c.157G>A, p.Ala53Thr (NM_001329224.2, NM_001329225.2); c.604G>A, p.Ala202Thr (NM_001278192.2); c.538G>A, p.Ala180Thr (NM_001278193.2); short protein forms A180T, A197T, A202T, A294T, A316T, A53T.
Identifiers: ClinVar variation 5018742 (VCV005018742.2).

ClinVar aggregate classification (germline): Uncertain significance (1 of 4 stars; one submission).

Conditions:
Polycystic kidney disease 3 with or without polycystic liver disease. Also called: Polycystic kidney disease 3; POLYCYSTIC KIDNEY DISEASE, ADULT, TYPE III; Polycystic Kidney and/or Polycystic Liver Disease 3. Identifiers: MedGen C3887964, MONDO:0010916, OMIM 600666.

Submission:

Juno Genomics, Hangzhou Juno Genomics, Inc
Classification: Uncertain significance for Polycystic kidney disease 3 with or without polycystic liver disease. Review status: criteria provided, single submitter. Criteria: ACMG Guidelines, 2015. Collection method: clinical testing. Allele origin: germline.
Comment: Absent from controls (or at extremely low frequency if recessive) in Genome Aggregation Database.;Missense variant in a gene that has a low rate of benign missense variation.